The following is an entry in ClinVar:

ClinVar aggregate classification (germline): Uncertain significance (1 of 4 stars; one submission).

Conditions:
Genitourinary and/or brain malformation syndrome (GUBS). Also called: PPP1R12A-Related Urogenital and/or Brain Malformation Syndrome. Identifiers: MedGen C5394158, MONDO:0032934, OMIM 618820.

Submission:

Juno Genomics, Hangzhou Juno Genomics, Inc
Classification: Uncertain significance for Genitourinary and/or brain malformation syndrome. Review status: criteria provided, single submitter. Criteria: ACMG Guidelines, 2015. Collection method: clinical testing. Allele origin: germline.
Comment: Absent from controls (or at extremely low frequency if recessive) in Genome Aggregation Database.;Multiple lines of computational evidence support a deleterious effect on the gene or gene product.

NM_002480.3(PPP1R12A):c.1730C>T (p.Thr577Ile)

Gene: PPP1R12A (protein phosphatase 1 regulatory subunit 12A; minus strand). Cytogenetic location: 12q21.2.
Variant type: single nucleotide variant.
Coding change: c.1730C>T on transcript NM_002480.3 (MANE Select); coding-DNA position 1730, C replaced by T.
Protein change: p.Thr577Ile; replaces threonine 577 with isoleucine.
Molecular consequence: missense variant. On other transcripts: intron variant (1).
Genome position (GRCh38, 1-based): chr12:79,806,259, G>A on the plus strand (C>T on the coding strand, the complement: PPP1R12A is on the minus strand). VCF-style: chr12-79806259-G-A. GRCh37 (hg19) VCF-style: chr12-80200039-G-A.
Other names: c.1730C>T, p.Thr577Ile (NM_001143885.2, NM_001244990.2); c.1469C>T, p.Thr490Ile (NM_001143886.2); c.1656-491C>T (NM_001244992.1); short protein forms T577I, T490I.
Identifiers: ClinVar variation 5005160 (VCV005005160.2).